The following is an entry in ClinVar:

NM_000080.4(CHRNE):c.687del (p.Asp229fs)

Genes: C17orf107 (chromosome 17 open reading frame 107; plus strand), CHRNE (cholinergic receptor nicotinic epsilon subunit; minus strand). Cytogenetic location: 17p13.2.
Variant type: Deletion.
Coding change: c.687del on transcript NM_000080.4 (MANE Select); coding-DNA position 687, one base deleted (C; older notation c.687delC).
Protein change: p.Asp229fs; shifts the reading frame from aspartic acid 229.
Molecular consequence: frameshift variant. On other transcripts: 3 prime UTR variant (1).
Genome position (GRCh38, 1-based): chr17:4,901,105, G deleted on the plus strand (C on the coding strand, the reverse complement: CHRNE is on the minus strand). VCF-style (leftmost placement, unchanged base first): chr17-4901104-CG-C. GRCh37 (hg19) VCF-style: chr17-4804399-CG-C.
Other names: c.*572del (NM_001145536.2); c.687del (NM_000080.3); short protein forms D229fs.
Identifiers: ClinVar variation 2145376 (VCV002145376.7), dbSNP rs1250853600, ClinGen allele CA624855993.

ClinVar aggregate classification (germline): Pathogenic/Likely pathogenic. Review status: criteria provided, multiple submitters, no conflicts (2 of 4 stars). 3 submissions from 3 submitters: Pathogenic (1); Likely pathogenic (2). Last evaluated 2025-04-18.

Conditions:
CHRNE-related disorder. Also called: CHRNE-related condition.
Congenital myasthenic syndrome 4A. Also called: Myasthenic syndrome, congenital, 4a, slow-channel; CONGENITAL MYASTHENIC SYNDROME TYPE Ia1; MYASTHENIC SYNDROME, CONGENITAL, 4A, SLOW-CHANNEL, AUTOSOMAL RECESSIVE. Identifiers: Orphanet 590, MedGen C4225413, MONDO:0011600, OMIM 605809.
Congenital myasthenic syndrome (CMS). Also called: Congenital Myasthenic Syndromes. Identifiers: Orphanet 590, MedGen C0751882, MeSH D020294, MONDO:0018940.

Allele frequency attached by ClinVar (database versions not stated): gnomAD exomes 0.00001.

Submissions (3):

Natera, Inc.
Classification: Likely pathogenic for Congenital myasthenic syndrome. Last evaluated: 2025-04-18. Review status: criteria provided, single submitter. Criteria: Natera Variant Classification Schema (03/2026). Collection method: clinical testing. Allele origin: germline.
Comment: The c.687del variant in CHRNE is a frameshift variant predicted to shift the reading frame beginning at codon 229 and leads to a stop codon 71 codons downstream. This variant is expected to result in nonsense mediated decay, truncation, or a dysfunctional protein product. This variant is rare in the general population with a frequency below the threshold expected for the associated phenotype(s). Given the available evidence, this variant is classified as Likely Pathogenic.

Labcorp Genetics (formerly Invitae), Labcorp
Classification: Pathogenic for Congenital myasthenic syndrome 4A. Last evaluated: 2024-02-05. Review status: criteria provided, single submitter. Criteria: Invitae Variant Classification Sherloc (09022015). Collection method: clinical testing. Allele origin: germline.
Comment: This sequence change creates a premature translational stop signal (p.Asp229Glufs*71) in the CHRNE gene. It is expected to result in an absent or disrupted protein product. Loss-of-function variants in CHRNE are known to be pathogenic (PMID: 22678886). This variant is present in population databases (no rsID available, gnomAD 0.0009%). This variant has not been reported in the literature in individuals affected with CHRNE-related conditions. ClinVar contains an entry for this variant (Variation ID: 2145376). For these reasons, this variant has been classified as Pathogenic.

Blueprint Genetics
Classification: Likely pathogenic for CHRNE-related disorders. Last evaluated: 2022-06-12. Review status: criteria provided, single submitter. Criteria: ACMG Guidelines, 2015. Collection method: clinical testing. Allele origin: germline. Affected: yes. Observed: 1 variant allele.

Literature cited by the submitters: PubMed 22678886 (cited by Labcorp Genetics (formerly Invitae), Labcorp).